The following is an entry in ClinVar:

ClinVar aggregate classification (germline): Uncertain significance. Review status: criteria provided, multiple submitters, no conflicts (2 of 4 stars). 2 submissions from 2 submitters: Uncertain significance (2). Last evaluated 2023-12-14.

Conditions:
Ehlers-Danlos syndrome, classic type, 1 (EDSCL1). Also called: EHLERS-DANLOS SYNDROME, GRAVIS TYPE; EHLERS-DANLOS SYNDROME, SEVERE CLASSIC TYPE; Ehlers-Danlos syndrome, type 1; EDS I; Ehlers-Danlos Syndrome, Classic Type, COL5A1-Related. Identifiers: MedGen C0268335, MONDO:0019567, OMIM 130000.

Submissions (2):

Labcorp Genetics (formerly Invitae), Labcorp
Classification: Uncertain significance for Ehlers-Danlos syndrome, classic type, 1. Last evaluated: 2023-12-14. Review status: criteria provided, single submitter. Criteria: Invitae Variant Classification Sherloc (09022015). Collection method: clinical testing. Allele origin: germline.
Comment: This sequence change replaces phenylalanine, which is neutral and non-polar, with leucine, which is neutral and non-polar, at codon 1209 of the COL5A1 protein (p.Phe1209Leu). This variant is not present in population databases (gnomAD no frequency). This variant has not been reported in the literature in individuals affected with COL5A1-related conditions. ClinVar contains an entry for this variant (Variation ID: 1317244). Advanced modeling of protein sequence and biophysical properties (such as structural, functional, and spatial information, amino acid conservation, physicochemical variation, residue mobility, and thermodynamic stability) performed at Invitae indicates that this missense variant is not expected to disrupt COL5A1 protein function with a negative predictive value of 95%. In summary, the available evidence is currently insufficient to determine the role of this variant in disease. Therefore, it has been classified as a Variant of Uncertain Significance.

GeneDx
Classification: Uncertain significance. Last evaluated: 2019-06-05. Review status: criteria provided, single submitter. Criteria: GeneDx Variant Classification Process June 2021. Collection method: clinical testing. Allele origin: germline. Affected: yes.
Comment: Not observed in large population cohorts (Lek et al., 2016); In silico analysis, which includes protein predictors and evolutionary conservation, supports a deleterious effect; Has not been previously published as pathogenic or benign to our knowledge; Occurs at a non-Glycine residue within the collagen triple-helical region containing Gly-X-Y repeats

NM_000093.5(COL5A1):c.3627C>A (p.Phe1209Leu)

Gene: COL5A1 (collagen type V alpha 1 chain; plus strand). Cytogenetic location: 9q34.3.
Variant type: single nucleotide variant.
Coding change: c.3627C>A on transcript NM_000093.5 (MANE Select); coding-DNA position 3627, C replaced by A.
Protein change: p.Phe1209Leu; replaces phenylalanine 1209 with leucine.
Molecular consequence: missense variant.
Genome position (GRCh38, 1-based): chr9:134,811,536, C>A. VCF-style: chr9-134811536-C-A. GRCh37 (hg19) VCF-style: chr9-137703382-C-A.
Other names: c.3627C>A, p.Phe1209Leu (NM_001278074.1); short protein forms F1209L.
Identifiers: ClinVar variation 1317244 (VCV001317244.9), dbSNP rs748000980, ClinGen allele CA375454154.